The following is an entry in ClinVar:

ClinVar aggregate classification (germline): Benign/Likely benign. Review status: criteria provided, multiple submitters, no conflicts (2 of 4 stars). 3 submissions from 3 submitters: Benign (1); Likely benign (2). Last evaluated 2026-01-10.

Conditions:
Hereditary cancer-predisposing syndrome. Also called: Tumor predisposition; Hereditary neoplastic syndrome; Neoplastic Syndromes, Hereditary; Hereditary Cancer Syndrome. Identifiers: Orphanet 140162, MedGen C0027672, MeSH D009386, MONDO:0015356.
Hereditary diffuse gastric adenocarcinoma (HDGC). Also called: DIFFUSE GASTRIC AND LOBULAR BREAST CANCER SYNDROME. Identifiers: Orphanet 26106, MedGen C1708349, MONDO:0007648, OMIM 137215.

gnomAD v4.1: 1 of 1,613,624 alleles (0.000062%); no homozygotes.

Submissions (3):

Labcorp Genetics (formerly Invitae), Labcorp
Classification: Likely benign. Last evaluated: 2026-01-10. Review status: criteria provided, single submitter. Criteria: Invitae Variant Classification Sherloc (09022015). Collection method: clinical testing. Allele origin: germline.

Myriad Genetics, Inc.
Classification: Benign for Hereditary diffuse gastric adenocarcinoma. Last evaluated: 2024-10-15. Review status: criteria provided, single submitter. Criteria: Myriad Autosomal Dominant, Autosomal Recessive and X-Linked Classification Criteria (2023). Collection method: clinical testing. Allele origin: unknown.
Comment: This variant is considered benign. This variant is a silent/synonymous amino acid change and it is not expected to impact splicing.

Ambry Genetics
Classification: Likely benign for Hereditary cancer-predisposing syndrome. Last evaluated: 2019-09-23. Review status: criteria provided, single submitter. Criteria: Ambry Variant Classification Scheme 2023. Collection method: clinical testing. Allele origin: germline.

NM_001903.5(CTNNA1):c.2679G>T (p.Pro893=)

Gene: CTNNA1 (catenin alpha 1; plus strand). Cytogenetic location: 5q31.2.
Variant type: single nucleotide variant.
Coding change: c.2679G>T on transcript NM_001903.5 (MANE Select); coding-DNA position 2679, G replaced by T.
Protein change: p.Pro893=; no amino-acid change (proline 893 retained).
Molecular consequence: synonymous variant. On other transcripts: 3 prime UTR variant (5).
Genome position (GRCh38, 1-based): chr5:138,934,047, G>T. VCF-style: chr5-138934047-G-T. GRCh37 (hg19) VCF-style: chr5-138269736-G-T.
Other names: c.*224G>T (NM_001290307.3, NM_001324002.1, NM_001324003.1 and 2 more transcripts); c.2370G>T, p.Pro790= (NM_001290309.3); c.2310G>T, p.Pro770= (NM_001290310.3); c.1569G>T, p.Pro523= (NM_001290312.1, NM_001323987.1, NM_001323988.1 and 12 more transcripts); c.2679G>T, p.Pro893= (NM_001323982.2, NM_001323983.1, NM_001323984.2); c.2652G>T, p.Pro884= (NM_001323985.2); c.2586G>T, p.Pro862= (NM_001323986.2); c.1434G>T, p.Pro478= (NM_001324001.1); and 3 more.
Identifiers: ClinVar variation 702749 (VCV000702749.12), dbSNP rs1059181, ClinGen allele CA446793563.